The following is an entry in ClinVar:

ClinVar aggregate classification (germline): Uncertain significance (1 of 4 stars; one submission).

gnomAD v4.1: 1 of 1,608,626 alleles (0.000062%); highest among the groups gnomAD compares: Non-Finnish European, 0.000085%; no homozygotes.

Submission:

Mayo Clinic Laboratories, Mayo Clinic
Classification: Uncertain significance. Last evaluated: 2025-04-30. Review status: criteria provided, single submitter. Criteria: ACMG Guidelines, 2015. Collection method: clinical testing. Allele origin: germline. Observed: 1 variant allele.
Comment: PP3, PM2_supporting

NM_130837.3(OPA1):c.2936A>T (p.Lys979Met)

Gene: OPA1 (OPA1 mitochondrial dynamin like GTPase; plus strand). Cytogenetic location: 3q29.
Variant type: single nucleotide variant.
Coding change: c.2936A>T on transcript NM_130837.3 (MANE Select); coding-DNA position 2936, A replaced by T.
Protein change: p.Lys979Met; replaces lysine 979 with methionine.
Molecular consequence: missense variant.
Genome position (GRCh38, 1-based): chr3:193,667,233, A>T. VCF-style: chr3-193667233-A-T. GRCh37 (hg19) VCF-style: chr3-193385022-A-T.
Other names: p.Lys924Met; c.2402A>T, p.Lys801Met (NM_001354663.2); c.2399A>T, p.Lys800Met (NM_001354664.2); c.2771A>T, p.Lys924Met (NM_015560.3); c.2663A>T, p.Lys888Met (NM_130831.3); c.2717A>T, p.Lys906Met (NM_130832.3); c.2774A>T, p.Lys925Met (NM_130833.3); c.2825A>T, p.Lys942Met (NM_130834.3); and 2 more; short protein forms K801M, K906M, K888M, K942M, K943M, K979M, K800M, K924M.
Identifiers: ClinVar variation 4540964 (VCV004540964.1).